The following is an entry in ClinVar:

ClinVar aggregate classification (germline): Uncertain significance (1 of 4 stars; one submission).

Submission:

Labcorp Genetics (formerly Invitae), Labcorp
Classification: Uncertain significance. Last evaluated: 2023-02-14. Review status: criteria provided, single submitter. Criteria: Invitae Variant Classification Sherloc (09022015). Collection method: clinical testing. Allele origin: germline.
Comment: This variant, c.844_849dup, results in the insertion of 2 amino acid(s) of the LOR protein (p.Gly282_Gly283dup), but otherwise preserves the integrity of the reading frame. This variant is present in population databases (rs546948100, gnomAD 0.02%). This variant has not been reported in the literature in individuals affected with LOR-related conditions. In summary, the available evidence is currently insufficient to determine the role of this variant in disease. Therefore, it has been classified as a Variant of Uncertain Significance.

NM_000427.3(LORICRIN):c.835GGC[7] (p.Gly283_Ser284insGlyGly)

Gene: LORICRIN (loricrin cornified envelope precursor protein; plus strand). Cytogenetic location: 1q21.3.
Variant type: Microsatellite.
Coding change: c.835GGC[7] on transcript NM_000427.3 (MANE Select); seven copies in a row of the 3-base unit GGC starting at c.835; the reference has five copies in a row; two copies, 6 bases duplicated.
Protein change: p.Gly283_Ser284insGlyGly.
Molecular consequence: inframe insertion.
Genome position (GRCh38, 1-based): chr1:153,261,793-153,261,798, GGCGGC duplicated; duplicating any 6 consecutive bases within chr1:153,261,784-153,261,798 gives the same sequence; the position shown is the placement nearest the transcript's 3' end. VCF-style (leftmost placement, unchanged base first): chr1-153261783-A-AGGCGGC. GRCh37 (hg19) VCF-style: chr1-153234259-A-AGGCGGC.
Identifiers: ClinVar variation 2715535 (VCV002715535.3), dbSNP rs546948100, ClinGen allele CA1114383.